The following is an entry in ClinVar:

NM_017721.5(CC2D1A):c.490C>T (p.Arg164Trp)

Gene: CC2D1A (coiled-coil and C2 domain containing 1A; plus strand). Cytogenetic location: 19p13.12.
Variant type: single nucleotide variant.
Coding change: c.490C>T on transcript NM_017721.5 (MANE Select); coding-DNA position 490, C replaced by T.
Protein change: p.Arg164Trp; replaces arginine 164 with tryptophan.
Molecular consequence: missense variant.
Genome position (GRCh38, 1-based): chr19:13,913,279, C>T. VCF-style: chr19-13913279-C-T. GRCh37 (hg19) VCF-style: chr19-14024092-C-T.
Other names: short protein forms R164W.
Identifiers: ClinVar variation 828117 (VCV000828117.6), dbSNP rs781491587, ClinGen allele CA9244299.

ClinVar aggregate classification (germline): Uncertain significance. Review status: criteria provided, multiple submitters, no conflicts (2 of 4 stars). 4 submissions from 4 submitters: Uncertain significance (3). 1 of the submissions does not count toward it. Last evaluated 2025-05-16.

Conditions:
Intellectual developmental disorder, autosomal recessive 3. Also called: Intellectual disability, autosomal recessive 3. Identifiers: Orphanet 88616, MedGen C1838023, MONDO:0012037, OMIM 608443.
Inborn genetic diseases. Identifiers: MedGen C0950123, MeSH D030342.

Allele frequency attached by ClinVar (database versions not stated): gnomAD exomes 0.00001 and 0.00002; TOPMed 0.00001; ExAC 0.00002.
gnomAD v4.1: 19 of 1,612,880 alleles (0.0012%); highest among the groups gnomAD compares: South Asian, 0.0022%; no homozygotes.

Submissions (4):

Ambry Genetics
Classification: Uncertain significance for Inborn genetic diseases. Last evaluated: 2025-05-16. Review status: criteria provided, single submitter. Criteria: Ambry Variant Classification Scheme 2023. Collection method: clinical testing. Allele origin: germline.

Institute for Clinical Genetics, University Hospital TU Dresden, University Hospital TU Dresden
Classification: Uncertain significance. Last evaluated: 2021-11-03. Review status: criteria provided, single submitter. Criteria: ACMG Guidelines, 2015. Collection method: clinical testing. Allele origin: germline.

Baylor Genetics
Classification: Uncertain significance for Intellectual developmental disorder, autosomal recessive 3. Last evaluated: 2019-07-18. Review status: criteria provided, single submitter. Criteria: ACMG Guidelines, 2015. Collection method: clinical testing. Allele origin: unknown. Affected: yes.
Comment: This variant was determined to be of uncertain significance according to ACMG Guidelines, 2015 [PMID:25741868].

Biochemical Molecular Genetic Laboratory, King Abdulaziz Medical City
Classification: Uncertain significance for Intellectual developmental disorder, autosomal recessive 3. Last evaluated: 2020-02-05. Review status: no assertion criteria provided. Collection method: clinical testing. Allele origin: germline. Affected: yes. Not counted in ClinVar's aggregate classification.